The following is an entry in ClinVar:

ClinVar aggregate classification (germline): Uncertain significance (1 of 4 stars; one submission).

Conditions:
Chuvash polycythemia. Also called: POLYCYTHEMIA, VHL-DEPENDENT. Identifiers: Orphanet 238557, MedGen C1837915, MONDO:0009892, OMIM 263400.
Von Hippel-Lindau syndrome (VHLS). Also called: Von Hippel-Lindau; von Hippel–Lindau syndrome; VHL syndrome. Identifiers: Orphanet 892, MedGen C0019562, MONDO:0008667, OMIM 193300. Disease mechanism: loss of function.

Submission:

Labcorp Genetics (formerly Invitae), Labcorp
Classification: Uncertain significance for Von Hippel-Lindau syndrome; Chuvash polycythemia. Last evaluated: 2022-07-18. Review status: criteria provided, single submitter. Criteria: Invitae Variant Classification Sherloc (09022015). Collection method: clinical testing. Allele origin: germline.
Comment: In summary, the available evidence is currently insufficient to determine the role of this variant in disease. Therefore, it has been classified as a Variant of Uncertain Significance. Algorithms developed to predict the effect of sequence changes on RNA splicing suggest that this variant is not likely to affect RNA splicing. ClinVar contains an entry for this variant (Variation ID: 957361). This variant has not been reported in the literature in individuals affected with VHL-related conditions. This variant is not present in population databases (gnomAD no frequency). This sequence change falls in intron 1 of the VHL gene. It is not expected to change the encoded amino acid sequence of the VHL protein. However, this sequence change falls within a cryptic exon in the VHL gene, known as exon E1’, which is naturally expressed at low levels in several human tissues (PMID: 29891534).

Literature cited by the submitters: PubMed 29891534.

NM_000551.4(VHL):c.340+627A>C

Genes: VHL (von Hippel-Lindau tumor suppressor; plus strand), LOC107303340 (3p25 von Hippel-Lindau tumor suppressor, E3 ubiquitin protein ligase Alu-mediated recombination region; plus strand). Cytogenetic location: 3p25.3.
Variant type: single nucleotide variant.
Coding change: c.340+627A>C on transcript NM_000551.4 (MANE Select); 627 bases into the intron after coding-DNA position 340, A replaced by C.
Molecular consequence: intron variant. On other transcripts: missense variant (1).
Genome position (GRCh38, 1-based): chr3:10,142,814, A>C. VCF-style: chr3-10142814-A-C. GRCh37 (hg19) VCF-style: chr3-10184498-A-C.
Other names: c.392A>C, p.Asn131Thr (NM_001354723.2); c.340+627A>C (NM_198156.3); short protein forms N131T.
Identifiers: ClinVar variation 957361 (VCV000957361.10), dbSNP rs1696159189, ClinGen allele CA1139655734.